The following is an entry in ClinVar:

NM_000548.5(TSC2):c.4177A>G (p.Thr1393Ala)

Gene: TSC2 (TSC complex subunit 2; plus strand). Cytogenetic location: 16p13.3.
Variant type: single nucleotide variant.
Coding change: c.4177A>G on transcript NM_000548.5 (MANE Select); coding-DNA position 4177, A replaced by G.
Protein change: p.Thr1393Ala; replaces threonine 1393 with alanine.
Molecular consequence: missense variant. On other transcripts: non-coding transcript variant (5).
Genome position (GRCh38, 1-based): chr16:2,084,399, A>G. VCF-style: chr16-2084399-A-G. GRCh37 (hg19) VCF-style: chr16-2134400-A-G.
Other names: c.3379A>G, p.Thr1127Ala (NM_001406685.1, NM_001406686.1); c.3376A>G, p.Thr1126Ala (NM_001406687.1, NM_001406688.1); c.2764A>G, p.Thr922Ala (NM_001406689.1); c.2704A>G, p.Thr902Ala (NM_001406690.1); c.2701A>G, p.Thr901Ala (NM_001406691.1); c.2635A>G, p.Thr879Ala (NM_001406692.1, NM_001406693.1, NM_001406694.1); c.3976A>G, p.Thr1326Ala (NM_001077183.3); c.4108A>G, p.Thr1370Ala (NM_001114382.3); and 26 more; short protein forms T1149A, T1170A, T1193A, T1277A, T1278A, T1289A, T1322A, T1326A.
Identifiers: ClinVar variation 2705489 (VCV002705489.4), dbSNP rs2151526138, ClinGen allele CA394299785.

ClinVar aggregate classification (germline): Uncertain significance. Review status: criteria provided, multiple submitters, no conflicts (2 of 4 stars). 2 submissions from 2 submitters: Uncertain significance (2). Last evaluated 2025-04-04.

Conditions:
Tuberous sclerosis 2 (TSC2). Identifiers: Orphanet 805, MedGen C1860707, MONDO:0013199, OMIM 613254.

Submissions (2):

3billion
Classification: Uncertain significance for Tuberous sclerosis 2. Last evaluated: 2025-04-04. Review status: criteria provided, single submitter. Criteria: ACMG Guidelines, 2015. Collection method: clinical testing. Allele origin: germline. Affected: yes.

Labcorp Genetics (formerly Invitae), Labcorp
Classification: Uncertain significance for Tuberous sclerosis 2. Last evaluated: 2023-12-25. Review status: criteria provided, single submitter. Criteria: Invitae Variant Classification Sherloc (09022015). Collection method: clinical testing. Allele origin: germline.
Comment: This sequence change replaces threonine, which is neutral and polar, with alanine, which is neutral and non-polar, at codon 1393 of the TSC2 protein (p.Thr1393Ala). This variant is not present in population databases (gnomAD no frequency). This variant has not been reported in the literature in individuals affected with TSC2-related conditions. Advanced modeling of protein sequence and biophysical properties (such as structural, functional, and spatial information, amino acid conservation, physicochemical variation, residue mobility, and thermodynamic stability) performed at Invitae indicates that this missense variant is not expected to disrupt TSC2 protein function with a negative predictive value of 95%. In summary, the available evidence is currently insufficient to determine the role of this variant in disease. Therefore, it has been classified as a Variant of Uncertain Significance.